The following is an entry in ClinVar:

ClinVar aggregate classification (germline): Uncertain significance (1 of 4 stars; one submission).

Conditions:
Autosomal dominant limb-girdle muscular dystrophy type 1G (LGMDD3). Also called: Limb-girdle muscular dystrophy, type 1G; MUSCULAR DYSTROPHY, LIMB-GIRDLE, AUTOSOMAL DOMINANT 3. Identifiers: Orphanet 55596, MedGen C1836765, MONDO:0012193, OMIM 609115.

Allele frequency attached by ClinVar (database versions not stated): TOPMed 0.00001.

Submission:

Labcorp Genetics (formerly Invitae), Labcorp
Classification: Uncertain significance for Autosomal dominant limb-girdle muscular dystrophy type 1G. Last evaluated: 2023-06-03. Review status: criteria provided, single submitter. Criteria: Invitae Variant Classification Sherloc (09022015). Collection method: clinical testing. Allele origin: germline.
Comment: In summary, the available evidence is currently insufficient to determine the role of this variant in disease. Therefore, it has been classified as a Variant of Uncertain Significance. An algorithm developed to predict the effect of missense changes on protein structure and function (PolyPhen-2) suggests that this variant is likely to be disruptive. This variant has not been reported in the literature in individuals affected with HNRNPDL-related conditions. This variant is not present in population databases (gnomAD no frequency). This sequence change replaces glutamic acid, which is acidic and polar, with lysine, which is basic and polar, at codon 210 of the HNRNPDL protein (p.Glu210Lys).

NM_031372.4(HNRNPDL):c.628G>A (p.Glu210Lys)

Gene: HNRNPDL (heterogeneous nuclear ribonucleoprotein D like; minus strand). Cytogenetic location: 4q21.22.
Variant type: single nucleotide variant.
Coding change: c.628G>A on transcript NM_031372.4 (MANE Select); coding-DNA position 628, G replaced by A.
Protein change: p.Glu210Lys; replaces glutamic acid 210 with lysine.
Molecular consequence: missense variant. On other transcripts: non-coding transcript variant (1).
Genome position (GRCh38, 1-based): chr4:82,428,164, C>T on the plus strand (G>A on the coding strand, the complement: HNRNPDL is on the minus strand). VCF-style: chr4-82428164-C-T. GRCh37 (hg19) VCF-style: chr4-83349317-C-T.
Other names: c.628G>A, p.Glu210Lys (NM_001207000.1); short protein forms E210K.
Identifiers: ClinVar variation 2760814 (VCV002760814.3), dbSNP rs1235371971, ClinGen allele CA357171038.